The following is an entry in ClinVar:

NM_000256.3(MYBPC3):c.1685C>T (p.Ala562Val)

Gene: MYBPC3 (myosin binding protein C3; minus strand). Cytogenetic location: 11p11.2.
Variant type: single nucleotide variant.
Coding change: c.1685C>T on transcript NM_000256.3 (MANE Select); coding-DNA position 1685, C replaced by T.
Protein change: p.Ala562Val; replaces alanine 562 with valine.
Molecular consequence: missense variant.
Genome position (GRCh38, 1-based): chr11:47,342,096, G>A on the plus strand (C>T on the coding strand, the complement: MYBPC3 is on the minus strand). VCF-style: chr11-47342096-G-A. GRCh37 (hg19) VCF-style: chr11-47363647-G-A.
Other names: c.1685C>T, p.Ala562Val (LRG_386t1); short protein forms A562V.
Identifiers: ClinVar variation 656085 (VCV000656085.19), dbSNP rs730880694, ClinGen allele CA078267.

ClinVar aggregate classification (germline): Conflicting classifications of pathogenicity. Review status: criteria provided, conflicting classifications (1 of 4 stars). 7 submissions from 7 submitters: Likely pathogenic (1); Uncertain significance (4). 2 of the submissions do not count toward it. Last evaluated 2026-03-21.

Conditions:
Cardiomyopathy (CMYO). Also called: Cardiomyopathies. Identifiers: Orphanet 167848, MedGen C0878544, MONDO:0004994, HP:0001638. Inheritance: Various modes of inheritance.
Cardiovascular phenotype. Identifiers: MedGen CN230736.
Hypertrophic cardiomyopathy. Also called: HYPERTROPHIC MYOCARDIOPATHY. Identifiers: Orphanet 217569, MedGen C0007194, MeSH D002312, MONDO:0005045, HP:0001639.

Allele frequency attached by ClinVar (database versions not stated): gnomAD 0.00001; gnomAD exomes 0.00001 and below 0.00001; TOPMed below 0.00001; ExAC 0.00001.
gnomAD v4.1: 8 of 1,613,742 alleles (0.0005%); highest among the groups gnomAD compares: East Asian, 0.0067%; no homozygotes.

Submissions (7):

Dasa
Classification: Uncertain significance. Last evaluated: 2026-03-21. Review status: criteria provided, single submitter. Criteria: DASA Assertion Criteria. Collection method: clinical testing. Allele origin: germline.
Comment: NM_000256.3(MYBPC3):c.1685C>T (p.Ala562Val) is a missense variant that results in the substitution of alanine with valine. This variant is rare in population databases. The currently available literature and clinical evidence are not sufficient to establish a definitive association between this variant and the reported condition. Therefore, this variant is classified as a variant of uncertain significance.

Labcorp Genetics (formerly Invitae), Labcorp
Classification: Likely pathogenic for Hypertrophic cardiomyopathy. Last evaluated: 2026-01-02. Review status: criteria provided, single submitter. Criteria: Invitae Variant Classification Sherloc (09022015). Collection method: clinical testing. Allele origin: germline.
Comment: This sequence change replaces alanine, which is neutral and non-polar, with valine, which is neutral and non-polar, at codon 562 of the MYBPC3 protein (p.Ala562Val). This variant is present in population databases (rs730880694, gnomAD 0.0009%). This missense change has been observed in individuals with hypertrophic cardiomyopathy (PMID: 27532257, 28265379, 33782553, 37652022). It has also been observed to segregate with disease in related individuals. ClinVar contains an entry for this variant (Variation ID: 656085). An algorithm developed to predict the effect of missense changes on protein structure and function (PolyPhen-2) suggests that this variant is likely to be disruptive. This variant disrupts the p.Ala562 amino acid residue in MYBPC3. Other variant(s) that disrupt this residue have been observed in individuals with MYBPC3-related conditions (PMID: 28214152), which suggests that this may be a clinically significant amino acid residue. In summary, the currently available evidence indicates that the variant is pathogenic, but additional data are needed to prove that conclusively. Therefore, this variant has been classified as Likely Pathogenic.

Ambry Genetics
Classification: Uncertain significance for Cardiovascular phenotype. Last evaluated: 2023-04-12. Review status: criteria provided, single submitter. Criteria: Ambry Variant Classification Scheme 2023. Collection method: clinical testing. Allele origin: germline.
Comment: The p.A562V variant (also known as c.1685C>T), located in coding exon 18 of the MYBPC3 gene, results from a C to T substitution at nucleotide position 1685. The alanine at codon 562 is replaced by valine, an amino acid with similar properties. This alteration has been detected in three affected members of a family with hypertrophic cardiomyopathy (HCM), and has been seen in HCM cohorts for which clinical details were limited (Aurensanz Clemente E et al. Clin Case Rep, 2017 Mar;5:232-237; Walsh R et al. Genet. Med., 2017 02;19:192-203; Helms AS et al. Circ Genom Precis Med. 2020 Oct;13(5):396-405). This amino acid position is highly conserved in available vertebrate species. In addition, the in silico prediction for this alteration is inconclusive. Since supporting evidence is limited at this time, the clinical significance of this alteration remains unclear.

Color Diagnostics, LLC DBA Color Health
Classification: Uncertain significance for Cardiomyopathy. Last evaluated: 2021-01-13. Review status: criteria provided, single submitter. Criteria: ACMG Guidelines, 2015. Collection method: clinical testing. Allele origin: germline.
Comment: This missense variant replaces alanine with valine at codon 562 of the MYBPC3 protein. Computational prediction suggests that this variant may not impact protein structure and function (internally defined REVEL score threshold <= 0.5, PMID: 27666373). To our knowledge, functional studies have not been reported for this variant. This variant has been reported in individuals affected with hypertrophic cardiomyopathy (PMID: 2753225, 28265379), and it has been reported to segregate with the disease in one family (PMID: 28265379). This variant has been identified in 1/248958 chromosomes in the general population by the Genome Aggregation Database (gnomAD). The available evidence is insufficient to determine the role of this variant in disease conclusively. Therefore, this variant is classified as a Variant of Uncertain Significance.

CHEO Genetics Diagnostic Laboratory, Children's Hospital of Eastern Ontario
Classification: Uncertain significance for Cardiomyopathy. Last evaluated: 2020-11-24. Review status: criteria provided, single submitter. Criteria: ACMG Guidelines, 2015. Collection method: clinical testing. Allele origin: germline.

Clinical Genetics DNA and cytogenetics Diagnostics Lab, Erasmus MC, Erasmus Medical Center
Classification: Likely pathogenic. Review status: no assertion criteria provided. Collection method: clinical testing. Allele origin: germline. Affected: yes. Study: VKGL Data-share Consensus. Not counted in ClinVar's aggregate classification.

Joint Genome Diagnostic Labs from Nijmegen and Maastricht, Radboudumc and MUMC+
Classification: Likely pathogenic. Review status: no assertion criteria provided. Collection method: clinical testing. Allele origin: germline. Affected: yes. Study: VKGL Data-share Consensus. Not counted in ClinVar's aggregate classification.

Literature cited by the submitters: PubMed 27532257 (cited by Labcorp Genetics (formerly Invitae), Labcorp and Ambry Genetics); PubMed 28265379 (cited by Labcorp Genetics (formerly Invitae), Labcorp and Ambry Genetics); PubMed 33782553 (cited by Labcorp Genetics (formerly Invitae), Labcorp); PubMed 37652022 (cited by Labcorp Genetics (formerly Invitae), Labcorp); PubMed 28214152 (cited by Labcorp Genetics (formerly Invitae), Labcorp); PubMed 32841044 (cited by Ambry Genetics).